The following is an entry in ClinVar:

ClinVar aggregate classification (germline): Uncertain significance. Review status: criteria provided, multiple submitters, no conflicts (2 of 4 stars). 2 submissions from 2 submitters: Uncertain significance (2). Last evaluated 2025-12-30.

Conditions:
Brugada syndrome. Also called: Sudden unexplained nocturnal death syndrome; Sudden unexpected nocturnal death syndrome; Sudden Unexplained Death Syndrome; Sudden Unexplained Nocturnal Death Syndrome (SUNDS). Identifiers: Orphanet 130, MedGen C1142166, MONDO:0015263.

Submissions (2):

Ambry Genetics
Classification: Uncertain significance. Last evaluated: 2025-12-30. Review status: criteria provided, single submitter. Criteria: Ambry Variant Classification Scheme 2023. Collection method: clinical testing. Allele origin: germline.
Comment: The p.D112E variant (also known as c.336C>A), located in coding exon 1 of the KCNE5 gene, results from a C to A substitution at nucleotide position 336. The aspartic acid at codon 112 is replaced by glutamic acid, an amino acid with highly similar properties. This amino acid position is conserved. In addition, this alteration is predicted to be tolerated by in silico analysis. Based on the available evidence, the clinical significance of this variant remains unclear.

Labcorp Genetics (formerly Invitae), Labcorp
Classification: Uncertain significance for Brugada syndrome. Last evaluated: 2021-03-28. Review status: criteria provided, single submitter. Criteria: Invitae Variant Classification Sherloc (09022015). Collection method: clinical testing. Allele origin: germline.
Comment: This sequence change replaces aspartic acid with glutamic acid at codon 112 of the KCNE5 protein (p.Asp112Glu). The aspartic acid residue is highly conserved and there is a small physicochemical difference between aspartic acid and glutamic acid. The frequency data for this variant in the population databases is considered unreliable, as metrics indicate insufficient coverage at this position in the ExAC database. This variant has not been reported in the literature in individuals with KCNE5-related conditions. Algorithms developed to predict the effect of missense changes on protein structure and function are either unavailable or do not agree on the potential impact of this missense change (SIFT: "Deleterious"; PolyPhen-2: "Benign"; Align-GVGD: "Class C35"). In summary, the available evidence is currently insufficient to determine the role of this variant in disease. Therefore, it has been classified as a Variant of Uncertain Significance.

NM_012282.4(KCNE5):c.336C>A (p.Asp112Glu)

Gene: KCNE5 (potassium voltage-gated channel subfamily E regulatory subunit 5; minus strand). Cytogenetic location: Xq23.
Variant type: single nucleotide variant.
Coding change: c.336C>A on transcript NM_012282.4 (MANE Select); coding-DNA position 336, C replaced by A.
Protein change: p.Asp112Glu; replaces aspartic acid 112 with glutamic acid.
Molecular consequence: missense variant.
Genome position (GRCh38, 1-based): chrX:109,624,685, G>T on the plus strand (C>A on the coding strand, the complement: KCNE5 is on the minus strand). VCF-style: chrX-109624685-G-T. GRCh37 (hg19) VCF-style: chrX-108867914-G-T.
Other names: c.336C>A (NM_012282.2); short protein forms D112E.
Identifiers: ClinVar variation 1492489 (VCV001492489.9), dbSNP rs72548778, ClinGen allele CA414213087.